The following is an entry in ClinVar:

NM_002439.5(MSH3):c.1250G>C (p.Arg417Pro)

Gene: MSH3 (mutS homolog 3; plus strand). Cytogenetic location: 5q14.1.
Variant type: single nucleotide variant.
Coding change: c.1250G>C on transcript NM_002439.5 (MANE Select); coding-DNA position 1250, G replaced by C.
Protein change: p.Arg417Pro; replaces arginine 417 with proline.
Molecular consequence: missense variant.
Genome position (GRCh38, 1-based): chr5:80,679,003, G>C. VCF-style: chr5-80679003-G-C. GRCh37 (hg19) VCF-style: chr5-79974822-G-C.
Other names: short protein forms R417P.
Identifiers: ClinVar variation 1043823 (VCV001043823.13), dbSNP rs778162840, ClinGen allele CA360268974.

ClinVar aggregate classification (germline): Uncertain significance. Review status: criteria provided, multiple submitters, no conflicts (2 of 4 stars). 3 submissions from 3 submitters: Uncertain significance (3). Last evaluated 2025-05-31.

Conditions:
Hereditary cancer-predisposing syndrome. Also called: Hereditary Cancer Syndrome; Tumor predisposition; Hereditary neoplastic syndrome; Neoplastic Syndromes, Hereditary. Identifiers: Orphanet 140162, MedGen C0027672, MeSH D009386, MONDO:0015356.
Endometrial carcinoma. Also called: Endometrial carcinoma, somatic. Identifiers: MedGen C0476089, MONDO:0002447, OMIM 608089, HP:0012114.

Submissions (3):

Ambry Genetics
Classification: Uncertain significance for Hereditary cancer-predisposing syndrome. Last evaluated: 2025-05-31. Review status: criteria provided, single submitter. Criteria: Ambry Variant Classification Scheme 2023. Collection method: clinical testing. Allele origin: germline.
Comment: The p.R417P variant (also known as c.1250G>C), located in coding exon 8 of the MSH3 gene, results from a G to C substitution at nucleotide position 1250. The arginine at codon 417 is replaced by proline, an amino acid with dissimilar properties. This amino acid position is conserved. In addition, this alteration is predicted to be deleterious by in silico analysis. Since supporting evidence is limited at this time, the clinical significance of this alteration remains unclear.

Labcorp Genetics (formerly Invitae), Labcorp
Classification: Uncertain significance. Last evaluated: 2024-07-16. Review status: criteria provided, single submitter. Criteria: Invitae Variant Classification Sherloc (09022015). Collection method: clinical testing. Allele origin: germline.
Comment: This sequence change replaces arginine, which is basic and polar, with proline, which is neutral and non-polar, at codon 417 of the MSH3 protein (p.Arg417Pro). This variant is not present in population databases (gnomAD no frequency). This variant has not been reported in the literature in individuals affected with MSH3-related conditions. ClinVar contains an entry for this variant (Variation ID: 1043823). An algorithm developed to predict the effect of missense changes on protein structure and function (PolyPhen-2) suggests that this variant is likely to be disruptive. In summary, the available evidence is currently insufficient to determine the role of this variant in disease. Therefore, it has been classified as a Variant of Uncertain Significance.

Baylor Genetics
Classification: Uncertain significance for Endometrial carcinoma. Last evaluated: 2023-12-28. Review status: criteria provided, single submitter. Criteria: ACMG Guidelines, 2015. Collection method: clinical testing. Allele origin: unknown.